The following is an entry in ClinVar:

NM_001378457.1(DMXL2):c.8968-3T>C

Gene: DMXL2 (Dmx like 2; minus strand). Cytogenetic location: 15q21.2.
Variant type: single nucleotide variant.
Coding change: c.8968-3T>C on transcript NM_001378457.1 (MANE Select); 3 bases into the intron before coding-DNA position 8968, T replaced by C.
Molecular consequence: intron variant.
Genome position (GRCh38, 1-based): chr15:51,449,196, A>G on the plus strand (T>C on the coding strand, the complement: DMXL2 is on the minus strand). VCF-style: chr15-51449196-A-G. GRCh37 (hg19) VCF-style: chr15-51741393-A-G.
Other names: c.6883-3T>C (NM_001378460.1); c.6994-3T>C (NM_001174117.3); c.8902-3T>C (NM_015263.5); c.8965-3T>C (NM_001378458.1); c.8680-3T>C (NM_001378459.1); c.8905-3T>C (NM_001174116.3).
Identifiers: ClinVar variation 2768142 (VCV002768142.3), dbSNP rs2542921822, ClinGen allele CA2697549086.
Genomic context (GRCh38, chr15:51,449,196, plus strand): 5'-GCTTAGCATGTTCACTTTTAAATGAATGAATTAGGCCATGGCCTGTCAATCTCCAAACCT[A>G]GTGCAAAACAAAAGGAGTTAAAAATATATTACGAAAAGACCAAAAGCAAAAACATGGCCC-3'

ClinVar aggregate classification (germline): Uncertain significance (1 of 4 stars; one submission).

Submission:

Labcorp Genetics (formerly Invitae), Labcorp
Classification: Uncertain significance. Last evaluated: 2023-11-08. Review status: criteria provided, single submitter. Criteria: Invitae Variant Classification Sherloc (09022015). Collection method: clinical testing. Allele origin: germline.
Comment: This sequence change falls in intron 42 of the DMXL2 gene. It does not directly change the encoded amino acid sequence of the DMXL2 protein. It affects a nucleotide within the consensus splice site. This variant is not present in population databases (gnomAD no frequency). This variant has not been reported in the literature in individuals affected with DMXL2-related conditions. Variants that disrupt the consensus splice site are a relatively common cause of aberrant splicing (PMID: 17576681, 9536098). Algorithms developed to predict the effect of sequence changes on RNA splicing suggest that this variant is not likely to affect RNA splicing. In summary, the available evidence is currently insufficient to determine the role of this variant in disease. Therefore, it has been classified as a Variant of Uncertain Significance.

Literature cited by the submitters: PubMed 17576681; PubMed 9536098.